The following is an entry in ClinVar:

NM_004656.4(BAP1):c.581-20C>T

Gene: BAP1 (BRCA1 associated deubiquitinase 1; minus strand). Cytogenetic location: 3p21.1.
Variant type: single nucleotide variant.
Coding change: c.581-20C>T on transcript NM_004656.4 (MANE Select); 20 bases into the intron before coding-DNA position 581, C replaced by T.
Molecular consequence: intron variant.
Genome position (GRCh38, 1-based): chr3:52,406,927, G>A on the plus strand (C>T on the coding strand, the complement: BAP1 is on the minus strand). VCF-style: chr3-52406927-G-A. GRCh37 (hg19) VCF-style: chr3-52440943-G-A.
Other names: c.581-20C>T (NM_001410772.1).
Identifiers: ClinVar variation 3379068 (VCV003379068.2).

ClinVar aggregate classification (germline): Likely benign. Review status: criteria provided, multiple submitters, no conflicts (2 of 4 stars). 2 submissions from 2 submitters: Likely benign (2). Last evaluated 2025-11-20.

Conditions:
BAP1-related tumor predisposition syndrome (TPDS1). Also called: Tumor susceptibility linked to germline BAP1 mutations; COMMON Syndrome; TUMOR PREDISPOSITION SYNDROME 1; BAP1 tumor predisposition syndrome. Identifiers: Orphanet 289539, MedGen C3280492, MONDO:0013692, OMIM 614327.

Submissions (2):

Labcorp Genetics (formerly Invitae), Labcorp
Classification: Likely benign for BAP1-related tumor predisposition syndrome. Last evaluated: 2025-11-20. Review status: criteria provided, single submitter. Criteria: Invitae Variant Classification Sherloc (09022015). Collection method: clinical testing. Allele origin: germline.

Myriad Genetics, Inc.
Classification: Likely benign for BAP1-related tumor predisposition syndrome. Last evaluated: 2024-07-12. Review status: criteria provided, single submitter. Criteria: Myriad Autosomal Dominant, Autosomal Recessive and X-Linked Classification Criteria (2023). Collection method: clinical testing. Allele origin: unknown.
Comment: This variant is considered likely benign. This variant is intronic and is not expected to impact mRNA splicing.